The following is an entry in ClinVar:

ClinVar aggregate classification (germline): Uncertain significance. Review status: criteria provided, multiple submitters, no conflicts (2 of 4 stars). 4 submissions from 4 submitters: Uncertain significance (4). Last evaluated 2025-09-03.

Conditions:
Wilson disease (WND). Also called: Wilson's disease. Identifiers: Orphanet 905, MedGen C0019202, MONDO:0010200, OMIM 277900. Disease mechanism: loss of function.

Allele frequency attached by ClinVar (database versions not stated): gnomAD exomes below 0.00001.
gnomAD v4.1: 2 of 1,614,122 alleles (0.00012%); highest among the groups gnomAD compares: Non-Finnish European, 0.00017%; no homozygotes.

Submissions (4):

GeneDx
Classification: Uncertain significance. Last evaluated: 2025-09-03. Review status: criteria provided, single submitter. Criteria: GeneDx Variant Classification Process June 2021. Collection method: clinical testing. Allele origin: germline. Affected: yes.
Comment: Not observed at significant frequency in large population cohorts (gnomAD); In silico analysis suggests that this missense variant does not alter protein structure/function; Has not been previously published as pathogenic or benign to our knowledge

Color Diagnostics, LLC DBA Color Health
Classification: Uncertain significance for Wilson disease. Last evaluated: 2025-06-05. Review status: criteria provided, single submitter. Criteria: ACMG Guidelines, 2015. Collection method: clinical testing. Allele origin: germline.
Comment: This missense variant replaces serine with asparagine at codon 1211 of the ATP7B protein. Computational prediction suggests that this variant may not impact protein structure and function. To our knowledge, functional studies have not been reported for this variant. This variant has not been reported in individuals affected with ATP7B-related disorders in the literature. This variant has been identified in 1/249582 chromosomes in the general population by the Genome Aggregation Database (gnomAD). The available evidence is insufficient to determine the role of this variant in disease conclusively. Therefore, this variant is classified as a Variant of Uncertain Significance.

CeGaT Center for Human Genetics Tuebingen
Classification: Uncertain significance. Last evaluated: 2024-11-01. Review status: criteria provided, single submitter. Criteria: CeGaT Center For Human Genetics Tuebingen Variant Classification Criteria Version 2. Collection method: clinical testing. Allele origin: germline. Affected: yes. Observed: 1 variant allele.
Comment: ATP7B: PM2

All of Us Research Program, National Institutes of Health
Classification: Uncertain significance for Wilson disease. Last evaluated: 2023-08-15. Review status: criteria provided, single submitter. Criteria: ACMG Guidelines, 2015. Collection method: clinical testing. Allele origin: germline. Inheritance: Autosomal recessive inheritance. Observed: 3 variant alleles, 3 heterozygotes.
Comment: This missense variant replaces serine with asparagine at codon 1211 of the ATP7B protein. Computational prediction suggests that this variant may not impact protein structure and function (internally defined REVEL score threshold <= 0.5, PMID: 27666373). To our knowledge, functional studies have not been reported for this variant. This variant has not been reported in individuals affected with ATP7B-related disorders in the literature. This variant has been identified in 1/249582 chromosomes in the general population by the Genome Aggregation Database (gnomAD). The available evidence is insufficient to determine the role of this variant in disease conclusively. Therefore, this variant is classified as a Variant of Uncertain Significance.

This study involves interpretation of variants in research participants for the purpose of population health screening. Participant phenotype was not available at the time of variant classification. Additional details can be found in publication PMID: 35346344, PMCID: PMC8962531

NM_000053.4(ATP7B):c.3632G>A (p.Ser1211Asn)

Gene: ATP7B (ATPase copper transporting beta; minus strand). Cytogenetic location: 13q14.3.
Variant type: single nucleotide variant.
Coding change: c.3632G>A on transcript NM_000053.4 (MANE Select); coding-DNA position 3632, G replaced by A.
Protein change: p.Ser1211Asn; replaces serine 1211 with asparagine.
Molecular consequence: missense variant.
Genome position (GRCh38, 1-based): chr13:51,939,118, C>T on the plus strand (G>A on the coding strand, the complement: ATP7B is on the minus strand). VCF-style: chr13-51939118-C-T. GRCh37 (hg19) VCF-style: chr13-52513254-C-T.
Other names: c.3011G>A, p.Ser1004Asn (NM_001005918.3); c.3299G>A, p.Ser1100Asn (NM_001243182.2); c.3398G>A, p.Ser1133Asn (NM_001330578.2); c.3380G>A, p.Ser1127Asn (NM_001330579.2); short protein forms S1004N, S1100N, S1127N, S1133N, S1211N.
Identifiers: ClinVar variation 1312128 (VCV001312128.18), dbSNP rs1157344488, ClinGen allele CA388024085.